The following is an entry in ClinVar:

ClinVar aggregate classification (germline): Benign (0 of 4 stars; one submission).

Conditions:
UBN2-related disorder. Also called: UBN2-related condition.

Allele frequency attached by ClinVar (database versions not stated): TOPMed 0.00008; gnomAD 0.00041; gnomAD exomes 0.00069; ExAC 0.00152; 1000 Genomes Project 0.00220; 1000 Genomes Project 30x 0.00234.
gnomAD v4.1: 1,053 of 1,612,958 alleles (0.065%); highest among the groups gnomAD compares: South Asian, 1.1%; 6 homozygotes.

Submission:

PreventionGenetics, part of Exact Sciences
Classification: Benign for UBN2-related condition. Last evaluated: 2019-04-03. Review status: no assertion criteria provided. Collection method: clinical testing. Allele origin: germline.
Comment: This variant is classified as benign based on ACMG/AMP sequence variant interpretation guidelines (Richards et al. 2015 PMID: 25741868, with internal and published modifications).

NM_173569.4(UBN2):c.905+5G>A

Gene: UBN2 (ubinuclein 2; plus strand). Cytogenetic location: 7q34.
Variant type: single nucleotide variant.
Coding change: c.905+5G>A on transcript NM_173569.4 (MANE Select); 5 bases into the intron after coding-DNA position 905, G replaced by A.
Molecular consequence: intron variant.
Genome position (GRCh38, 1-based): chr7:139,259,375, G>A. VCF-style: chr7-139259375-G-A. GRCh37 (hg19) VCF-style: chr7-138944121-G-A.
Identifiers: ClinVar variation 3039631 (VCV003039631.2), dbSNP rs374662903, ClinGen allele CA4508770.
Genomic context (GRCh38, chr7:139,259,375, plus strand): 5'-AAAGAGGAAGGGGAAAAGGAGAAGAAGCCAAGGAAAAAAGTTCCCAAACAACTGGGGTAC[G>A]TTAAATTAAACCTAAGAAGGGAACTGGCGTCACAGTCTGACTGTCTCTCCCTTTAGAAAG-3'